The following is an entry in ClinVar:

ClinVar aggregate classification (germline): Uncertain significance (1 of 4 stars; one submission).

Allele frequency attached by ClinVar (database versions not stated): gnomAD exomes 0.00001.
gnomAD v4.1: 8 of 1,613,018 alleles (0.0005%); highest among the groups gnomAD compares: Non-Finnish European, 0.00068%; no homozygotes.

Submission:

Labcorp Genetics (formerly Invitae), Labcorp
Classification: Uncertain significance. Last evaluated: 2023-03-17. Review status: criteria provided, single submitter. Criteria: Invitae Variant Classification Sherloc (09022015). Collection method: clinical testing. Allele origin: germline.
Comment: In summary, the available evidence is currently insufficient to determine the role of this variant in disease. Therefore, it has been classified as a Variant of Uncertain Significance. Advanced modeling of protein sequence and biophysical properties (such as structural, functional, and spatial information, amino acid conservation, physicochemical variation, residue mobility, and thermodynamic stability) has been performed at Invitae for this missense variant, however the output from this modeling did not meet the statistical confidence thresholds required to predict the impact of this variant on PCDH15 protein function. This variant has not been reported in the literature in individuals affected with PCDH15-related conditions. This variant is not present in population databases (gnomAD no frequency). This sequence change replaces proline, which is neutral and non-polar, with serine, which is neutral and polar, at codon 1122 of the PCDH15 protein (p.Pro1122Ser).

NM_001384140.1(PCDH15):c.3364C>T (p.Pro1122Ser)

Gene: PCDH15 (protocadherin related 15; minus strand). Cytogenetic location: 10q21.1.
Variant type: single nucleotide variant.
Coding change: c.3364C>T on transcript NM_001384140.1 (MANE Select); coding-DNA position 3364, C replaced by T.
Protein change: p.Pro1122Ser; replaces proline 1122 with serine.
Molecular consequence: missense variant.
Genome position (GRCh38, 1-based): chr10:53,938,824, G>A on the plus strand (C>T on the coding strand, the complement: PCDH15 is on the minus strand). VCF-style: chr10-53938824-G-A. GRCh37 (hg19) VCF-style: chr10-55698584-G-A.
Other names: c.3379C>T, p.Pro1127Ser (NM_001142763.2, NM_001142771.2); c.3364C>T, p.Pro1122Ser (NM_001142764.2, NM_001142766.2, NM_001142770.3 and 4 more transcripts); c.3151C>T, p.Pro1051Ser (NM_001142765.2); c.3253C>T, p.Pro1085Ser (NM_001142767.2); c.3298C>T, p.Pro1100Ser (NM_001142768.2, NM_001142773.2, NM_001354404.2); c.3400C>T, p.Pro1134Ser (NM_001142769.4); c.3385C>T, p.Pro1129Ser (NM_001354411.2); short protein forms P1051S, P1122S, P1127S, P1085S, P1100S, P1129S, P1134S.
Identifiers: ClinVar variation 2798872 (VCV002798872.3), dbSNP rs2494600592, ClinGen allele CA376515900.